The following is an entry in ClinVar:

NM_024665.7(TBL1XR1):c.1492G>A (p.Val498Ile)

Gene: TBL1XR1 (TBL1X/Y related 1; minus strand). Cytogenetic location: 3q26.32.
Variant type: single nucleotide variant.
Coding change: c.1492G>A on transcript NM_024665.7 (MANE Select); coding-DNA position 1492, G replaced by A.
Protein change: p.Val498Ile; replaces valine 498 with isoleucine.
Molecular consequence: missense variant.
Genome position (GRCh38, 1-based): chr3:177,026,399, C>T on the plus strand (G>A on the coding strand, the complement: TBL1XR1 is on the minus strand). VCF-style: chr3-177026399-C-T. GRCh37 (hg19) VCF-style: chr3-176744187-C-T.
Other names: c.1492G>A, p.Val498Ile (NM_001321193.3, NM_001321194.3, NM_001374327.1 and 2 more transcripts); c.1231G>A, p.Val411Ile (NM_001321195.3, NM_001374330.1); short protein forms V498I, V411I.
Identifiers: ClinVar variation 423486 (VCV000423486.2), dbSNP rs1064796456, ClinGen allele CA16617840.

ClinVar aggregate classification (germline): Uncertain significance (1 of 4 stars; one submission).

Submission:

GeneDx
Classification: Uncertain significance. Last evaluated: 2017-02-19. Review status: criteria provided, single submitter. Criteria: GeneDx Variant Classification (06012015). Collection method: clinical testing. Allele origin: germline. Affected: yes.
Comment: The V498I variant in the TBL1XR1 gene has not been reported previously as a pathogenic variant, nor as a benign variant, to our knowledge. The V498I variant is not observed in large population cohorts (Lek et al., 2016; 1000 Genomes Consortium et al., 2015; Exome Variant Server). The V498I variant is a conservative amino acid substitution, which is not likely to impact secondary protein structure as these residues share similar properties. This substitution occurs at a position that is conserved across species. In silico analysis is inconsistent in its predictions as to whether or not the variant is damaging to the protein structure/function. We interpret V498I as a variant of uncertain significance.